The following is an entry in ClinVar:

ClinVar aggregate classification (germline): Uncertain significance. Review status: criteria provided, multiple submitters, no conflicts (2 of 4 stars). 2 submissions from 2 submitters: Uncertain significance (2). Last evaluated 2025-06-17.

Conditions:
Idiopathic generalized epilepsy. Also called: EIG; Generalised epilepsy. Identifiers: MedGen C0270850, MONDO:0005579, OMIM 600669.

Allele frequency attached by ClinVar (database versions not stated): gnomAD exomes 0.00004; TOPMed 0.00005; gnomAD 0.00007; ESP Exome Variant Server 0.00022.
gnomAD v4.1: 63 of 1,524,860 alleles (0.0041%); highest among the groups gnomAD compares: East Asian, 0.0078%; no homozygotes.

Submissions (2):

Labcorp Genetics (formerly Invitae), Labcorp
Classification: Uncertain significance for Idiopathic generalized epilepsy. Last evaluated: 2025-06-17. Review status: criteria provided, single submitter. Criteria: Invitae Variant Classification Sherloc (09022015). Collection method: clinical testing. Allele origin: germline.
Comment: This sequence change replaces proline, which is neutral and non-polar, with leucine, which is neutral and non-polar, at codon 86 of the RBFOX3 protein (p.Pro86Leu). This variant is present in population databases (rs377660420, gnomAD 0.02%). This variant has not been reported in the literature in individuals affected with RBFOX3-related conditions. ClinVar contains an entry for this variant (Variation ID: 411177). Invitae Evidence Modeling of protein sequence and biophysical properties (such as structural, functional, and spatial information, amino acid conservation, physicochemical variation, residue mobility, and thermodynamic stability) indicates that this missense variant is not expected to disrupt RBFOX3 protein function with a negative predictive value of 80%. In summary, the available evidence is currently insufficient to determine the role of this variant in disease. Therefore, it has been classified as a Variant of Uncertain Significance.

Ambry Genetics
Classification: Uncertain significance. Last evaluated: 2023-10-17. Review status: criteria provided, single submitter. Criteria: Ambry Variant Classification Scheme 2023. Collection method: clinical testing. Allele origin: germline.

NM_001350451.2(RBFOX3):c.257C>T (p.Pro86Leu)

Gene: RBFOX3 (RNA binding fox-1 homolog 3; minus strand). Cytogenetic location: 17q25.3.
Variant type: single nucleotide variant.
Coding change: c.257C>T on transcript NM_001350451.2 (MANE Select); coding-DNA position 257, C replaced by T.
Protein change: p.Pro86Leu; replaces proline 86 with leucine.
Molecular consequence: missense variant.
Genome position (GRCh38, 1-based): chr17:79,106,754, G>A on the plus strand (C>T on the coding strand, the complement: RBFOX3 is on the minus strand). VCF-style: chr17-79106754-G-A. GRCh37 (hg19) VCF-style: chr17-77102836-G-A.
Other names: c.257C>T, p.Pro86Leu (NM_001082575.3, NM_001350453.2, NM_001385804.1 and 36 more transcripts); c.254C>T, p.Pro85Leu (NM_001385806.1, NM_001385822.1, NM_001385823.1 and 4 more transcripts); c.257C>T (NM_001082575.1); short protein forms P86L, P85L.
Identifiers: ClinVar variation 411177 (VCV000411177.7), dbSNP rs377660420, ClinGen allele CA8810327.